The following is an entry in ClinVar:

ClinVar aggregate classification (germline): Uncertain significance (1 of 4 stars; one submission).

Submission:

Labcorp Genetics (formerly Invitae), Labcorp
Classification: Uncertain significance. Last evaluated: 2023-08-24. Review status: criteria provided, single submitter. Criteria: Invitae Variant Classification Sherloc (09022015). Collection method: clinical testing. Allele origin: germline.
Comment: An algorithm developed to predict the effect of missense changes on protein structure and function (PolyPhen-2) suggests that this variant is likely to be disruptive. This variant has not been reported in the literature in individuals affected with EPHA4-related conditions. This variant is not present in population databases (gnomAD no frequency). This sequence change replaces valine, which is neutral and non-polar, with leucine, which is neutral and non-polar, at codon 984 of the EPHA4 protein (p.Val984Leu). In summary, the available evidence is currently insufficient to determine the role of this variant in disease. Therefore, it has been classified as a Variant of Uncertain Significance.

NM_004438.5(EPHA4):c.2950G>C (p.Val984Leu)

Genes: EPHA4 (EPH receptor A4; minus strand), LOC126806527 (BRD4-independent group 4 enhancer GRCh37_chr2:222289669-222290868; plus strand). Cytogenetic location: 2q36.1.
Variant type: single nucleotide variant.
Coding change: c.2950G>C on transcript NM_004438.5 (MANE Select); coding-DNA position 2950, G replaced by C.
Protein change: p.Val984Leu; replaces valine 984 with leucine.
Molecular consequence: missense variant. On other transcripts: 3 prime UTR variant (1).
Genome position (GRCh38, 1-based): chr2:221,426,039, C>G on the plus strand (G>C on the coding strand, the complement: EPHA4 is on the minus strand). VCF-style: chr2-221426039-C-G. GRCh37 (hg19) VCF-style: chr2-222290759-C-G.
Other names: c.2950G>C, p.Val984Leu (NM_001304536.2); c.2797G>C, p.Val933Leu (NM_001304537.2); c.*129G>C (NM_001363748.2); short protein forms V984L, V933L.
Identifiers: ClinVar variation 2860954 (VCV002860954.3), dbSNP rs747438072, ClinGen allele CA350405722.
Genomic context (GRCh38, chr2:221,426,039, plus strand): 5'-TGGATGAGGTAAACTAATTTCAAGAGTTTTGAGTTTATTCAGTACTGGCTCAGACGGGAA[C>G]CATTCTGCCGTGCATCTGCTGCATTTGGGTTCGCATTGCCTGGACACTGCTCAAAATCTT-3'
Protein context (NP_004429.1, residues 974-986): TQMQQMHGRM[Val984Leu]PV